The following is an entry in ClinVar:

NM_001042492.3(NF1):c.7921G>A (p.Glu2641Lys)

Gene: NF1 (neurofibromin 1; plus strand). Cytogenetic location: 17q11.2.
Variant type: single nucleotide variant.
Coding change: c.7921G>A on transcript NM_001042492.3 (MANE Select); coding-DNA position 7921, G replaced by A.
Protein change: p.Glu2641Lys; replaces glutamic acid 2641 with lysine.
Molecular consequence: missense variant.
Genome position (GRCh38, 1-based): chr17:31,357,320, G>A. VCF-style: chr17-31357320-G-A. GRCh37 (hg19) VCF-style: chr17-29684338-G-A.
Other names: c.7858G>A, p.Glu2620Lys (NM_000267.4); short protein forms E2620K, E2641K.
Identifiers: ClinVar variation 1474779 (VCV001474779.8), dbSNP rs2151583310, ClinGen allele CA399203462.
Genomic context (GRCh38, chr17:31,357,320, plus strand): 5'-TCTTGGCAGGCTACACTGGTAAAATATACCACAGATGAGTTTGATCAACGAATTCTTTAT[G>A]AATACTTAGCAGAGGCCAGTGTTGTGTTTCCCAAAGTCTTTCCTGTTGTGTAAGTATCTC-3'
Protein context (NP_001035957.1, residues 2631-2651): TDEFDQRILY[Glu2641Lys]YLAEASVVFP

ClinVar aggregate classification (germline): Uncertain significance (1 of 4 stars; one submission).

Conditions:
Neurofibromatosis, type 1 (NF1). Also called: Neurofibromatosis, type I; VON RECKLINGHAUSEN DISEASE; NEUROFIBROMATOSIS, TYPE I, SOMATIC; Peripheral type neurofibromatosis. Identifiers: Orphanet 636, MedGen C0027831, MONDO:0018975, OMIM 162200. Disease mechanism: loss of function.

Submission:

Labcorp Genetics (formerly Invitae), Labcorp
Classification: Uncertain significance for Neurofibromatosis, type 1. Last evaluated: 2022-02-08. Review status: criteria provided, single submitter. Criteria: Invitae Variant Classification Sherloc (09022015). Collection method: clinical testing. Allele origin: germline.
Comment: In summary, the available evidence is currently insufficient to determine the role of this variant in disease. Therefore, it has been classified as a Variant of Uncertain Significance. Algorithms developed to predict the effect of missense changes on protein structure and function are either unavailable or do not agree on the potential impact of this missense change (SIFT: "Tolerated"; PolyPhen-2: "Probably Damaging"; Align-GVGD: "Class C0"). This variant has not been reported in the literature in individuals affected with NF1-related conditions. This variant is not present in population databases (gnomAD no frequency). This sequence change replaces glutamic acid, which is acidic and polar, with lysine, which is basic and polar, at codon 2620 of the NF1 protein (p.Glu2620Lys).